The following is an entry in ClinVar:

NM_001377458.1(CLCC1):c.361A>G (p.Met121Val)

Gene: CLCC1 (chloride channel CLIC like 1; minus strand). Cytogenetic location: 1p13.3.
Variant type: single nucleotide variant.
Coding change: c.361A>G on transcript NM_001377458.1 (MANE Select); coding-DNA position 361, A replaced by G.
Protein change: p.Met121Val; replaces methionine 121 with valine.
Molecular consequence: missense variant. On other transcripts: non-coding transcript variant (1), intron variant (3).
Genome position (GRCh38, 1-based): chr1:108,944,036, T>C on the plus strand (A>G on the coding strand, the complement: CLCC1 is on the minus strand). VCF-style: chr1-108944036-T-C. GRCh37 (hg19) VCF-style: chr1-109486658-T-C.
Other names: c.361A>G, p.Met121Val (NM_001377459.1, NM_001377460.1, NM_001377461.1 and 8 more transcripts); c.259A>G, p.Met87Val (NM_001377469.1); c.70A>G, p.Met24Val (NM_001377470.1); c.340-129A>G (NM_015127.5); c.340-2538A>G (NM_001278202.2); c.339+3575A>G (NM_001278203.1); short protein forms M121V, M87V, M24V.
Identifiers: ClinVar variation 1960007 (VCV001960007.5), dbSNP rs2524193402, ClinGen allele CA341464504.

ClinVar aggregate classification (germline): Uncertain significance (1 of 4 stars; one submission).

Submission:

Labcorp Genetics (formerly Invitae), Labcorp
Classification: Uncertain significance. Last evaluated: 2022-07-31. Review status: criteria provided, single submitter. Criteria: Invitae Variant Classification Sherloc (09022015). Collection method: clinical testing. Allele origin: germline.
Comment: In summary, the available evidence is currently insufficient to determine the role of this variant in disease. Therefore, it has been classified as a Variant of Uncertain Significance. Algorithms developed to predict the effect of missense changes on protein structure and function output the following: SIFT: "Tolerated"; PolyPhen-2: "Benign"; Align-GVGD: "Class C0". The valine amino acid residue is found in multiple mammalian species, which suggests that this missense change does not adversely affect protein function. This variant has not been reported in the literature in individuals affected with CLCC1-related conditions. This variant is not present in population databases (gnomAD no frequency). This sequence change replaces methionine, which is neutral and non-polar, with valine, which is neutral and non-polar, at codon 121 of the CLCC1 protein (p.Met121Val).